The following is an entry in ClinVar:

NM_138420.4(AHNAK2):c.8157C>T (p.Gly2719=)

Gene: AHNAK2 (AHNAK nucleoprotein 2; minus strand). Cytogenetic location: 14q32.33.
Variant type: single nucleotide variant.
Coding change: c.8157C>T on transcript NM_138420.4 (MANE Select); coding-DNA position 8157, C replaced by T.
Protein change: p.Gly2719=; no amino-acid change (glycine 2719 retained).
Molecular consequence: synonymous variant.
Genome position (GRCh38, 1-based): chr14:104,947,294, G>A on the plus strand (C>T on the coding strand, the complement: AHNAK2 is on the minus strand). VCF-style: chr14-104947294-G-A. GRCh37 (hg19) VCF-style: chr14-105413631-G-A.
Other names: c.7857C>T, p.Gly2619= (NM_001350929.2).
Identifiers: ClinVar variation 2644708 (VCV002644708.24), dbSNP rs375309942, ClinGen allele CA7380221.
Genomic context (GRCh38, chr14:104,947,294, plus strand): 5'-GAAACTGGGCATCTGCAGCTTGGGCAGGTGCCCTTTGAGGCCGGCTCCCTCGGGAACGTG[G>A]CCCTCTGGGAGTTTCACATCCACCTGGCCAGCCTGGACCTCCAGTTGGGCAGAGGGGGGC-3'
Protein context (NP_612429.2, residues 2709-2729): AGQVDVKLPE[Gly2719=]HVPEGAGLKG

ClinVar aggregate classification (germline): Benign (1 of 4 stars; one submission).

Allele frequency attached by ClinVar (database versions not stated): gnomAD exomes 0.00099; TOPMed 0.00102; ExAC 0.00123; ESP Exome Variant Server 0.00133; gnomAD 0.00150.
gnomAD v4.1: 1,654 of 1,611,894 alleles (0.1%); highest among the groups gnomAD compares: Non-Finnish European, 0.12%; 9 homozygotes.

Submission:

CeGaT Center for Human Genetics Tuebingen
Classification: Benign. Last evaluated: 2022-05-01. Review status: criteria provided, single submitter. Criteria: CeGaT Center For Human Genetics Tuebingen Variant Classification Criteria Version 2. Collection method: clinical testing. Allele origin: germline. Affected: yes. Observed: 1 variant allele.
Comment: AHNAK2: BS1, BS2